The following is an entry in ClinVar:

NM_000059.4(BRCA2):c.8548G>A (p.Glu2850Lys)

Gene: BRCA2 (BRCA2 DNA repair associated; plus strand). Cytogenetic location: 13q13.1.
Variant type: single nucleotide variant.
Coding change: c.8548G>A on transcript NM_000059.4 (MANE Select); coding-DNA position 8548, G replaced by A.
Protein change: p.Glu2850Lys; replaces glutamic acid 2850 with lysine.
Molecular consequence: missense variant.
Genome position (GRCh38, 1-based): chr13:32,371,016, G>A. VCF-style: chr13-32371016-G-A. GRCh37 (hg19) VCF-style: chr13-32945153-G-A.
Other names: short protein forms E2850K.
Identifiers: ClinVar variation 52619 (VCV000052619.14), dbSNP rs80359110, ClinGen allele CA025707.
Genomic context (GRCh38, chr13:32,371,016, plus strand): 5'-TGGATGGAGAAGACATCATCTGGATTATACATATTTCGCAATGAAAGAGAGGAAGAAAAG[G>A]AAGCAGCAAAATATGTGGAGGCCCAACAAAAGAGACTAGAAGCCTTATTCACTAAAATTC-3'
Protein context (NP_000050.3, residues 2840-2860): IFRNEREEEK[Glu2850Lys]AAKYVEAQQK

ClinVar aggregate classification (germline): Conflicting classifications of pathogenicity. Review status: criteria provided, conflicting classifications (1 of 4 stars). 4 submissions from 4 submitters: Uncertain significance (2); Likely benign (1). 1 of the submissions does not count toward it. Last evaluated 2025-05-15.

Conditions:
Hereditary breast ovarian cancer syndrome. Also called: Hereditary breast and ovarian cancer syndrome; Hereditary breast and ovarian cancer; Hereditary breast and ovarian cancer syndrome (HBOC); Breast and ovarian cancer; Hereditary breast and/or ovarian cancer syndrome; BRCA1- and BRCA2-Associated Hereditary Breast and Ovarian Cancer. Identifiers: Orphanet 145, MedGen C0677776, MeSH D061325, MONDO:0003582. Disease mechanism: loss of function.
Breast-ovarian cancer, familial, susceptibility to, 2 (BROVCA2). Also called: BRCA2 Hereditary Breast and Ovarian Cancer. Identifiers: Orphanet 145, MedGen C2675520, MONDO:0012933, OMIM 612555. Disease mechanism: loss of function.
Hereditary cancer-predisposing syndrome. Also called: Neoplastic Syndromes, Hereditary; Tumor predisposition; Hereditary neoplastic syndrome; Hereditary Cancer Syndrome. Identifiers: Orphanet 140162, MedGen C0027672, MeSH D009386, MONDO:0015356.

Submissions (4):

Ambry Genetics
Classification: Likely benign for Hereditary cancer-predisposing syndrome. Last evaluated: 2025-05-15. Review status: criteria provided, single submitter. Criteria: Ambry Variant Classification Scheme 2023. Collection method: clinical testing. Allele origin: germline.

Labcorp Genetics (formerly Invitae), Labcorp
Classification: Uncertain significance for Hereditary breast ovarian cancer syndrome. Last evaluated: 2022-11-23. Review status: criteria provided, single submitter. Criteria: Invitae Variant Classification Sherloc (09022015). Collection method: clinical testing. Allele origin: germline.
Comment: This sequence change replaces glutamic acid, which is acidic and polar, with lysine, which is basic and polar, at codon 2850 of the BRCA2 protein (p.Glu2850Lys). This variant is not present in population databases (gnomAD no frequency). This variant has not been reported in the literature in individuals affected with BRCA2-related conditions. ClinVar contains an entry for this variant (Variation ID: 52619). Advanced modeling of protein sequence and biophysical properties (such as structural, functional, and spatial information, amino acid conservation, physicochemical variation, residue mobility, and thermodynamic stability) performed at Invitae indicates that this missense variant is not expected to disrupt BRCA2 protein function. In summary, the available evidence is currently insufficient to determine the role of this variant in disease. Therefore, it has been classified as a Variant of Uncertain Significance.

Color Diagnostics, LLC DBA Color Health
Classification: Uncertain significance for Hereditary cancer-predisposing syndrome. Last evaluated: 2019-12-17. Review status: criteria provided, single submitter. Criteria: ACMG Guidelines, 2015. Collection method: clinical testing. Allele origin: germline.
Comment: This missense variant replaces glutamic acid with lysine at codon 2850 of the BRCA2 protein. Computational prediction is inconclusive regarding the impact of this variant on protein structure and function (internally defined REVEL score threshold 0.5 < inconclusive < 0.7, PMID: 27666373). Splice site prediction tools suggest that this variant may not impact RNA splicing. To our knowledge, functional studies have not been performed for this variant. This variant has been reported in individuals undergoing BRCA mutation testing (PMID: 30675319). This variant has not been identified in the general population by the Genome Aggregation Database (gnomAD). The available evidence is insufficient to determine the role of this variant in disease conclusively. Therefore, this variant is classified as a Variant of Uncertain Significance.

Breast Cancer Information Core (BIC) (BRCA2)
Classification: Uncertain significance for Breast-ovarian cancer, familial 2. Last evaluated: 2004-02-20. Review status: no assertion criteria provided. Collection method: clinical testing. Allele origin: germline. Affected: yes. Observed: 1 variant allele. Not counted in ClinVar's aggregate classification.